The following is an entry in ClinVar:

NM_015295.3(SMCHD1):c.3148A>T (p.Ile1050Phe)

Gene: SMCHD1 (structural maintenance of chromosomes flexible hinge domain containing 1; plus strand). Cytogenetic location: 18p11.32.
Variant type: single nucleotide variant.
Coding change: c.3148A>T on transcript NM_015295.3 (MANE Select); coding-DNA position 3148, A replaced by T.
Protein change: p.Ile1050Phe; replaces isoleucine 1050 with phenylalanine.
Molecular consequence: missense variant.
Genome position (GRCh38, 1-based): chr18:2,732,364, A>T. VCF-style: chr18-2732364-A-T. GRCh37 (hg19) VCF-style: chr18-2732362-A-T.
Other names: short protein forms I1050F.
Identifiers: ClinVar variation 573872 (VCV000573872.10), dbSNP rs1568260824, ClinGen allele CA401685664.

ClinVar aggregate classification (germline): Uncertain significance. Review status: criteria provided, multiple submitters, no conflicts (2 of 4 stars). 2 submissions from 2 submitters: Uncertain significance (2). Last evaluated 2023-05-03.

Conditions:
Facioscapulohumeral muscular dystrophy 2 (FSHD2). Also called: MUSCULAR DYSTROPHY, FACIOSCAPULOHUMERAL, TYPE 1B; FACIOSCAPULOHUMERAL MUSCULAR DYSTROPHY 2, DIGENIC; FSHD2, DIGENIC. Identifiers: Orphanet 269, MedGen C1834671, MONDO:0008031, OMIM 158901.

Allele frequency attached by ClinVar (database versions not stated): gnomAD exomes below 0.00001.
gnomAD v4.1: 1 of 1,613,860 alleles (0.000062%); highest among the groups gnomAD compares: Non-Finnish European, 0.000085%; no homozygotes.

Submissions (2):

Revvity Omics, Revvity
Classification: Uncertain significance. Last evaluated: 2023-05-03. Review status: criteria provided, single submitter. Criteria: ACMG Guidelines, 2015. Collection method: clinical testing. Allele origin: germline.

Labcorp Genetics (formerly Invitae), Labcorp
Classification: Uncertain significance for Facioscapulohumeral muscular dystrophy 2. Last evaluated: 2018-05-07. Review status: criteria provided, single submitter. Criteria: Invitae Variant Classification Sherloc (09022015). Collection method: clinical testing. Allele origin: germline.
Comment: This sequence change replaces isoleucine with phenylalanine at codon 1050 of the SMCHD1 protein (p.Ile1050Phe). The isoleucine residue is highly conserved and there is a small physicochemical difference between isoleucine and phenylalanine. This variant is not present in population databases (ExAC no frequency). This variant has not been reported in the literature in individuals with SMCHD1-related disease. In summary, the available evidence is currently insufficient to determine the role of this variant in disease. Therefore, it has been classified as a Variant of Uncertain Significance. Algorithms developed to predict the effect of missense changes on protein structure and function do not agree on the potential impact of this missense change (SIFT: "Deleterious"; PolyPhen-2: "Benign"; Align-GVGD: "Class C0").